The following is an entry in ClinVar:

NM_015466.4(PTPN23):c.2659A>G (p.Ile887Val)

Gene: PTPN23 (protein tyrosine phosphatase non-receptor type 23; plus strand). Cytogenetic location: 3p21.31.
Variant type: single nucleotide variant.
Coding change: c.2659A>G on transcript NM_015466.4 (MANE Select); coding-DNA position 2659, A replaced by G.
Protein change: p.Ile887Val; replaces isoleucine 887 with valine.
Molecular consequence: missense variant.
Genome position (GRCh38, 1-based): chr3:47,410,457, A>G. VCF-style: chr3-47410457-A-G. GRCh37 (hg19) VCF-style: chr3-47451947-A-G.
Other names: c.2281A>G, p.Ile761Val (NM_001304482.2); short protein forms I887V, I761V.
Identifiers: ClinVar variation 2123681 (VCV002123681.4), dbSNP rs2546250651, ClinGen allele CA352559621.

ClinVar aggregate classification (germline): Uncertain significance (1 of 4 stars; one submission).

Submission:

Labcorp Genetics (formerly Invitae), Labcorp
Classification: Uncertain significance. Last evaluated: 2022-04-09. Review status: criteria provided, single submitter. Criteria: Invitae Variant Classification Sherloc (09022015). Collection method: clinical testing. Allele origin: germline.
Comment: In summary, the available evidence is currently insufficient to determine the role of this variant in disease. Therefore, it has been classified as a Variant of Uncertain Significance. Algorithms developed to predict the effect of missense changes on protein structure and function output the following: SIFT: "Tolerated"; PolyPhen-2: "Not Available"; Align-GVGD: "Class C0". The valine amino acid residue is found in multiple mammalian species, which suggests that this missense change does not adversely affect protein function. This variant has not been reported in the literature in individuals affected with PTPN23-related conditions. This variant is not present in population databases (gnomAD no frequency). This sequence change replaces isoleucine, which is neutral and non-polar, with valine, which is neutral and non-polar, at codon 887 of the PTPN23 protein (p.Ile887Val).